The following is an entry in ClinVar:

ClinVar aggregate classification (germline): Pathogenic (1 of 4 stars; one submission).

Conditions:
Inborn genetic diseases. Identifiers: MedGen C0950123, MeSH D030342.

Submission:

Ambry Genetics
Classification: Pathogenic for Inborn genetic diseases. Last evaluated: 2025-07-30. Review status: criteria provided, single submitter. Criteria: Ambry Variant Classification Scheme 2023. Collection method: clinical testing. Allele origin: germline.
Comment: The c.394C>T (p.Q132*) alteration, located in exon 5 (coding exon 2) of the TAB2 gene, consists of a C to T substitution at nucleotide position 394. This changes the amino acid from a glutamine (Q) to a stop codon at amino acid position 132. This alteration is expected to result in loss of function by premature protein truncation or nonsense-mediated mRNA decay. This variant was not reported in population-based cohorts in the Genome Aggregation Database (gnomAD). Based on the available evidence, this alteration is classified as pathogenic.

NM_001292034.3(TAB2):c.394C>T (p.Gln132Ter)

Gene: TAB2 (TGF-beta activated kinase 1 (MAP3K7) binding protein 2; plus strand). Cytogenetic location: 6q25.1.
Variant type: single nucleotide variant.
Coding change: c.394C>T on transcript NM_001292034.3 (MANE Select); coding-DNA position 394, C replaced by T.
Protein change: p.Gln132Ter; replaces glutamine 132 with a stop codon.
Molecular consequence: nonsense.
Genome position (GRCh38, 1-based): chr6:149,378,309, C>T. VCF-style: chr6-149378309-C-T. GRCh37 (hg19) VCF-style: chr6-149699445-C-T.
Other names: c.298C>T, p.Gln100Ter (NM_001292035.3); c.394C>T, p.Gln132Ter (NM_001369506.1, NM_015093.6); short protein forms Q132*, Q100*.
Identifiers: ClinVar variation 4179275 (VCV004179275.1).